The following is an entry in ClinVar:

NM_001077365.2(POMT1):c.1236T>A (p.Tyr412Ter)

Gene: POMT1 (protein O-mannosyltransferase 1; plus strand). Cytogenetic location: 9q34.13.
Variant type: single nucleotide variant.
Coding change: c.1236T>A on transcript NM_001077365.2 (MANE Select); coding-DNA position 1236, T replaced by A.
Protein change: p.Tyr412Ter; replaces tyrosine 412 with a stop codon.
Molecular consequence: nonsense. On other transcripts: non-coding transcript variant (10).
Genome position (GRCh38, 1-based): chr9:131,515,486, T>A. VCF-style: chr9-131515486-T-A. GRCh37 (hg19) VCF-style: chr9-134390873-T-A.
Other names: c.1074T>A, p.Tyr358Ter (NM_001077366.2, NM_001353194.2); c.1236T>A, p.Tyr412Ter (NM_001136113.2, NM_001374690.1); c.885T>A, p.Tyr295Ter (NM_001136114.2, NM_001353195.2, NM_001374691.1 and 2 more transcripts); c.1302T>A, p.Tyr434Ter (NM_001353193.2, NM_007171.4); c.1146T>A, p.Tyr382Ter (NM_001353196.2); c.1140T>A, p.Tyr380Ter (NM_001353197.2, NM_001353198.2); c.951T>A, p.Tyr317Ter (NM_001353199.2); c.780T>A, p.Tyr260Ter (NM_001353200.2); and 3 more; short protein forms Y260*, Y282*, Y295*, Y317*, Y35*, Y358*, Y380*, Y382*.
Identifiers: ClinVar variation 3755935 (VCV003755935.2).

ClinVar aggregate classification (germline): Pathogenic (1 of 4 stars; one submission).

Conditions:
Muscular dystrophy-dystroglycanopathy (congenital with impaired intellectual development), type B, 1. Also called: MUSCULAR DYSTROPHY, CONGENITAL, POMT1-RELATED; Muscular dystrophy-dystroglycanopathy (congenital with intellectual disability), type B1. Identifiers: MedGen C5436962, MONDO:0013159, OMIM 613155.
Walker-Warburg congenital muscular dystrophy. Also called: Muscular dystrophy-dystroglycanopathy, type A; Walker-Warburg syndrome. Identifiers: Orphanet 899, MedGen C0265221, MONDO:0000171.
Autosomal recessive limb-girdle muscular dystrophy type 2K. Also called: MUSCULAR DYSTROPHY-DYSTROGLYCANOPATHY (LIMB-GIRDLE), TYPE C, 1; MUSCULAR DYSTROPHY, LIMB-GIRDLE, TYPE 2K. Identifiers: Orphanet 86812, MedGen C1836373, MONDO:0012248, OMIM 609308.

gnomAD v4.1: 1 of 1,614,232 alleles (0.000062%); highest among the groups gnomAD compares: Non-Finnish European, 0.000085%; no homozygotes.

Submission:

Labcorp Genetics (formerly Invitae), Labcorp
Classification: Pathogenic for Muscular dystrophy-dystroglycanopathy (congenital with impaired intellectual development), type B, 1; Walker-Warburg congenital muscular dystrophy; Autosomal recessive limb-girdle muscular dystrophy type 2K. Last evaluated: 2024-04-18. Review status: criteria provided, single submitter. Criteria: Invitae Variant Classification Sherloc (09022015). Collection method: clinical testing. Allele origin: germline.
Comment: This sequence change creates a premature translational stop signal (p.Tyr434*) in the POMT1 gene. It is expected to result in an absent or disrupted protein product. Loss-of-function variants in POMT1 are known to be pathogenic (PMID: 12369018, 15637732, 16575835). This variant is present in population databases (no rsID available, gnomAD 0.0009%). This variant has not been reported in the literature in individuals affected with POMT1-related conditions. For these reasons, this variant has been classified as Pathogenic.

Literature cited by the submitters: PubMed 12369018; PubMed 15637732; PubMed 16575835.